The following is an entry in ClinVar:

Conditions:
Arteriohepatic dysplasia. Also called: Alagille Syndrome. Identifiers: Orphanet 52, MedGen C0085280, MeSH D016738, MONDO:0007318.

Submission:

Gilbert/Spinner Lab, Children's Hospital of Philadelphia
No classification provided (evidence only). Condition: Alagille syndrome. Review status: no classification provided. Collection method: research. Allele origin: not applicable. Functional consequence: functionally_abnormal.
ClinVar note: "not provided" was previously submitted as the classification for the variant. However, the classification appeared to be based only on an observation of functional data so it was converted to no classification on 2025-07-30.

NM_000214.3(JAG1):c.877T>A (p.Cys293Ser)

Gene: JAG1 (jagged canonical Notch ligand 1; minus strand). Cytogenetic location: 20p12.2.
Variant type: single nucleotide variant.
Coding change: c.877T>A on transcript NM_000214.3 (MANE Select); coding-DNA position 877, T replaced by A.
Protein change: p.Cys293Ser; replaces cysteine 293 with serine.
Molecular consequence: missense variant.
Genome position (GRCh38, 1-based): chr20:10,652,477, A>T on the plus strand (T>A on the coding strand, the complement: JAG1 is on the minus strand). VCF-style: chr20-10652477-A-T. GRCh37 (hg19) VCF-style: chr20-10633125-A-T.
Other names: short protein forms C293S.
Identifiers: ClinVar variation 3573161 (VCV003573161.2).
Genomic context (GRCh38, chr20:10,652,477, plus strand): 5'-TGCCATCCCACCCCCAGATCCCACCCTGGGTCTCATCCCTAAGGGCCATACCTTTGTCAC[A>T]GAGCTGGCCGCCCCAGTTGGTCTCACAGAGGCACTGCCAGGGCTCATTACAGATGCCGTG-3'
Protein context (NP_000205.1, residues 283-303): LCETNWGGQL[Cys293Ser]DKDLNYCGTH